The following is an entry in ClinVar:

ClinVar aggregate classification (germline): Uncertain significance (1 of 4 stars; one submission).

Conditions:
Brachyolmia-amelogenesis imperfecta syndrome. Also called: PLATYSPONDYLY WITH AMELOGENESIS IMPERFECTA; Tooth agenesis, selective, 6; Dental anomalies and short stature. Identifiers: Orphanet 2899, MedGen C1832594, MONDO:0011018, OMIM 601216. Disease mechanism: loss of function.

Allele frequency attached by ClinVar (database versions not stated): gnomAD exomes below 0.00001 and 0.00001; TOPMed 0.00001.
gnomAD v4.1: 6 of 1,612,408 alleles (0.00037%); highest among the groups gnomAD compares: Admixed American, 0.0067%; no homozygotes.

Submission:

Labcorp Genetics (formerly Invitae), Labcorp
Classification: Uncertain significance for Brachyolmia-amelogenesis imperfecta syndrome. Last evaluated: 2026-01-16. Review status: criteria provided, single submitter. Criteria: Invitae Variant Classification Sherloc (09022015). Collection method: clinical testing. Allele origin: germline.
Comment: This sequence change falls in intron 26 of the LTBP3 gene. It does not directly change the encoded amino acid sequence of the LTBP3 protein. It affects a nucleotide within the consensus splice site. This variant is present in population databases (no rsID available, gnomAD 0.01%). This variant has not been reported in the literature in individuals affected with LTBP3-related conditions. ClinVar contains an entry for this variant (Variation ID: 1398931). Variants that disrupt the consensus splice site are a relatively common cause of aberrant splicing (PMID: 17576681, 9536098). Algorithms developed to predict the effect of sequence changes on RNA splicing suggest that this variant is not likely to affect RNA splicing. In summary, the available evidence is currently insufficient to determine the role of this variant in disease. Therefore, it has been classified as a Variant of Uncertain Significance.

Literature cited by the submitters: PubMed 17576681; PubMed 9536098.

NM_001130144.3(LTBP3):c.3628+5G>A

Gene: LTBP3 (latent transforming growth factor beta binding protein 3; minus strand). Cytogenetic location: 11q13.1.
Variant type: single nucleotide variant.
Coding change: c.3628+5G>A on transcript NM_001130144.3 (MANE Select); 5 bases into the intron after coding-DNA position 3628, G replaced by A.
Molecular consequence: intron variant.
Genome position (GRCh38, 1-based): chr11:65,539,543, C>T on the plus strand (G>A on the coding strand, the complement: LTBP3 is on the minus strand). VCF-style: chr11-65539543-C-T. GRCh37 (hg19) VCF-style: chr11-65307014-C-T.
Other names: c.3136+5G>A (NM_001164266.1); c.3487+5G>A (NM_021070.4).
Identifiers: ClinVar variation 1398931 (VCV001398931.6), dbSNP rs908115215, ClinGen allele CA224008411.